The following is an entry in ClinVar:

NM_001943.5(DSG2):c.3144_3145del (p.Arg1049fs)

Genes: DSG2 (desmoglein 2; plus strand), DSG2-AS1 (DSG2 antisense RNA 1; minus strand). Cytogenetic location: 18q12.1.
Variant type: Deletion.
Coding change: c.3144_3145del on transcript NM_001943.5 (MANE Select); coding-DNA positions 3144 to 3145, 2 bases deleted (AA; older notation c.3144_3145delAA).
Protein change: p.Arg1049fs; shifts the reading frame from arginine 1049.
Molecular consequence: frameshift variant.
Genome position (GRCh38, 1-based): chr18:31,546,530-31,546,531, AA deleted; deleting any 2 consecutive bases within chr18:31,546,529-31,546,531 gives the same sequence; the c. name uses the placement nearest the transcript's 3' end. VCF-style (leftmost placement, unchanged base first): chr18-31546528-GAA-G. GRCh37 (hg19) VCF-style: chr18-29126491-GAA-G.
Other names: short protein forms R1049fs.
Identifiers: ClinVar variation 2634936 (VCV002634936.4), dbSNP rs2510922774, ClinGen allele CA2576480668.

ClinVar aggregate classification (germline): Uncertain significance. Review status: criteria provided, multiple submitters, no conflicts (2 of 4 stars). 3 submissions from 3 submitters: Uncertain significance (3). Last evaluated 2025-01-01.

Conditions:
Cardiovascular phenotype. Identifiers: MedGen CN230736.
DSG2-related disorder. Also called: DSG2-related condition.
Arrhythmogenic right ventricular dysplasia 10. Also called: Arrhythmogenic Right Ventricular Dysplasia/Cardiomyopathy10; ARRHYTHMOGENIC RIGHT VENTRICULAR DYSPLASIA, FAMILIAL, 10; Arrhythmogenic right ventricular dysplasia/cardiomyopathy, type 10. Identifiers: MedGen C1857777, MONDO:0012434, OMIM 610193.

Submissions (3):

Labcorp Genetics (formerly Invitae), Labcorp
Classification: Uncertain significance for Arrhythmogenic right ventricular dysplasia 10. Last evaluated: 2025-01-01. Review status: criteria provided, single submitter. Criteria: Invitae Variant Classification Sherloc (09022015). Collection method: clinical testing. Allele origin: germline.
Comment: This sequence change creates a premature translational stop signal (p.Arg1049Serfs*17) in the DSG2 gene. While this is not anticipated to result in nonsense mediated decay, it is expected to disrupt the last 70 amino acid(s) of the DSG2 protein. This variant is not present in population databases (gnomAD no frequency). This variant has not been reported in the literature in individuals affected with DSG2-related conditions. ClinVar contains an entry for this variant (Variation ID: 2634936). This variant disrupts a region of the DSG2 protein in which other variant(s) (p.Gly1083Ser) have been observed in individuals with DSG2-related conditions (PMID: 21636032). This suggests that this is a clinically significant region of the protein, and that variants that disrupt it are likely to be disease-causing. In summary, the available evidence is currently insufficient to determine the role of this variant in disease. Therefore, it has been classified as a Variant of Uncertain Significance.

Ambry Genetics
Classification: Uncertain significance for Cardiovascular phenotype. Last evaluated: 2023-10-16. Review status: criteria provided, single submitter. Criteria: Ambry Variant Classification Scheme 2023. Collection method: clinical testing. Allele origin: germline.
Comment: The c.3144_3145delAA variant, located in coding exon 15 of the DSG2 gene, results from a deletion of two nucleotides at nucleotide positions 3144 to 3145, causing a translational frameshift with a predicted alternate stop codon (p.R1049Sfs*17). This alteration occurs at the 3' terminus of theDSG2 gene, is not expected to trigger nonsense-mediated mRNA decay, and only impacts the last 6.3% of the protein. The exact functional effect of this alteration is unknown. Since supporting evidence is limited at this time, the clinical significance of this alteration remains unclear.

PreventionGenetics, part of Exact Sciences
Classification: Uncertain significance for DSG2-related condition. Last evaluated: 2023-03-29. Review status: criteria provided, single submitter. Criteria: ACMG Guidelines, 2015. Collection method: clinical testing. Allele origin: germline.
Comment: The DSG2 c.3144_3145delAA variant is predicted to result in a frameshift and premature protein termination (p.Arg1049Serfs*17). To our knowledge, this variant has not been reported in the literature or in a large population database, indicating this variant is rare. This variant is located in the last exon of DSG2 and is not expected to result in nonsense mediated decay, but is expected to disrupt the last 69 amino acids of the protein. Loss-of-function variants in DSG2 are generally considered to be pathogenic; however, a great majority are upstream of this variant and are expected to result in nonsense mediated decay. Although we suspect that this variant may be pathogenic, at this time, the clinical significance of this variant is uncertain due to the absence of conclusive functional and genetic evidence.

Literature cited by the submitters: PubMed 21636032 (cited by Labcorp Genetics (formerly Invitae), Labcorp).